The following is an entry in ClinVar:

ClinVar aggregate classification (germline): Uncertain significance (1 of 4 stars; one submission).

Conditions:
Developmental and epileptic encephalopathy, 25 (DEE25). Also called: Epileptic encephalopathy, early infantile, 25; Developmental and epileptic encephalopathy 25, with amelogenesis imperfecta; Epileptic encephalopathy, early infantile, 25, with amelogenesis imperfecta. Identifiers: Orphanet 442835, MedGen C4014621, MONDO:0014392, OMIM 615905.

Allele frequency attached by ClinVar (database versions not stated): gnomAD exomes below 0.00001.

Submission:

Labcorp Genetics (formerly Invitae), Labcorp
Classification: Uncertain significance for Developmental and epileptic encephalopathy, 25. Last evaluated: 2020-01-20. Review status: criteria provided, single submitter. Criteria: Invitae Variant Classification Sherloc (09022015). Collection method: clinical testing. Allele origin: germline.
Comment: This variant has not been reported in the literature in individuals with SLC13A5-related conditions. This variant is not present in population databases (ExAC no frequency). This sequence change replaces serine with glycine at codon 163 of the SLC13A5 protein (p.Ser163Gly). The serine residue is weakly conserved and there is a small physicochemical difference between serine and glycine. Algorithms developed to predict the effect of missense changes on protein structure and function output the following: SIFT: "Tolerated"; PolyPhen-2: "Benign"; Align-GVGD: "Class C0". The glycine amino acid residue is found in multiple mammalian species, suggesting that this missense change does not adversely affect protein function. These predictions have not been confirmed by published functional studies and their clinical significance is uncertain. In summary, the available evidence is currently insufficient to determine the role of this variant in disease. Therefore, it has been classified as a Variant of Uncertain Significance.

NM_177550.5(SLC13A5):c.487A>G (p.Ser163Gly)

Gene: SLC13A5 (solute carrier family 13 member 5; minus strand). Cytogenetic location: 17p13.1.
Variant type: single nucleotide variant.
Coding change: c.487A>G on transcript NM_177550.5 (MANE Select); coding-DNA position 487, A replaced by G.
Protein change: p.Ser163Gly; replaces serine 163 with glycine.
Molecular consequence: missense variant.
Genome position (GRCh38, 1-based): chr17:6,703,938, T>C on the plus strand (A>G on the coding strand, the complement: SLC13A5 is on the minus strand). VCF-style: chr17-6703938-T-C. GRCh37 (hg19) VCF-style: chr17-6607257-T-C.
Other names: c.487A>G, p.Ser163Gly (NM_001143838.3); c.436A>G, p.Ser146Gly (NM_001284509.2); c.358A>G, p.Ser120Gly (NM_001284510.2); short protein forms S120G, S146G, S163G.
Identifiers: ClinVar variation 1035765 (VCV001035765.11), dbSNP rs1973790070, ClinGen allele CA397750023.
Genomic context (GRCh38, chr17:6,703,938, plus strand): 5'-CTGGCAGCTCCTTGGCCTTGCCCTTGTCCACCAGCTCCAGGCCGGCCTCGGTGGCTGCGC[T>C]TGTGGCTTCCATCTGCTGCAATATGGCCTCCACGATGGGCACCATCATGGCCGTGGTTGC-3'
Protein context (NP_808218.1, residues 153-173): EAILQQMEAT[Ser163Gly]AATEAGLELV